The following is an entry in ClinVar:

ClinVar aggregate classification (germline): Pathogenic (1 of 4 stars; one submission).

Submissions (2):

Labcorp Genetics (formerly Invitae), Labcorp
Classification: Pathogenic. Last evaluated: 2024-10-29. Review status: criteria provided, single submitter. Criteria: Invitae Variant Classification Sherloc (09022015). Collection method: clinical testing. Allele origin: germline.
Comment: This sequence change creates a premature translational stop signal (p.Gln363*) in the FOXP1 gene. It is expected to result in an absent or disrupted protein product. Loss-of-function variants in FOXP1 are known to be pathogenic (PMID: 28735298). This variant is not present in population databases (gnomAD no frequency). This variant has not been reported in the literature in individuals affected with FOXP1-related conditions. ClinVar contains an entry for this variant (Variation ID: 1452906). For these reasons, this variant has been classified as Pathogenic.

Dr. Peter K. Rogan Lab, Western University
No classification provided (evidence only). Condition: Familial prostate cancer. Review status: no classification provided. Collection method: in vitro. Allele origin: not applicable. Functional consequence: retained intron. Not counted in ClinVar's aggregate classification.

Literature cited by the submitters: PubMed 28735298 (cited by Labcorp Genetics (formerly Invitae), Labcorp).

NM_001349338.3(FOXP1):c.1087C>T (p.Gln363Ter)

Gene: FOXP1 (forkhead box P1; minus strand). Cytogenetic location: 3p13.
Variant type: single nucleotide variant.
Coding change: c.1087C>T on transcript NM_001349338.3 (MANE Select); coding-DNA position 1087, C replaced by T.
Protein change: p.Gln363Ter; replaces glutamine 363 with a stop codon.
Molecular consequence: nonsense. On other transcripts: non-coding transcript variant (2).
Genome position (GRCh38, 1-based): chr3:70,988,053, G>A on the plus strand (C>T on the coding strand, the complement: FOXP1 is on the minus strand). VCF-style: chr3-70988053-G-A. GRCh37 (hg19) VCF-style: chr3-71037204-G-A.
Other names: c.1087C>T, p.Gln363Ter (NM_001244808.3, NM_001244810.2, NM_001244814.3 and 3 more transcripts); c.859C>T, p.Gln287Ter (NM_001244812.3); c.787C>T, p.Gln263Ter (NM_001244813.3, NM_001244815.2, NM_001349342.3 and 1 more transcripts); c.784C>T, p.Gln262Ter (NM_001349337.2, NM_001349343.3, NM_001349344.3); c.1084C>T, p.Gln362Ter (NM_001349341.3); short protein forms Q287*, Q362*, Q262*, Q263*, Q363*.
Identifiers: ClinVar variation 1452906 (VCV001452906.7), dbSNP rs745448468, ClinGen allele CA353494716.
Genomic context (GRCh38, chr3:70,988,053, plus strand): 5'-CGGGCTGAGGGGCGGCTTTGGGTTCTGTAGACTTCACATGCAGGTGGGTCATCATGGCTT[G>A]CAGGCGTTCTTTGTCTTTTGCAAGCTGGCAAGAAGAAAATGCTTTGTTATTTCTCTGAAT-3'